The following is an entry in ClinVar:

NM_001735.3(C5):c.3231-16T>G

Gene: C5 (complement C5; minus strand). Cytogenetic location: 9q33.2.
Variant type: single nucleotide variant.
Coding change: c.3231-16T>G on transcript NM_001735.3 (MANE Select); 16 bases into the intron before coding-DNA position 3231, T replaced by G.
Molecular consequence: intron variant.
Genome position (GRCh38, 1-based): chr9:120,982,830, A>C on the plus strand (T>G on the coding strand, the complement: C5 is on the minus strand). VCF-style: chr9-120982830-A-C. GRCh37 (hg19) VCF-style: chr9-123745108-A-C.
Other names: c.3249-16T>G (NM_001317163.2).
Identifiers: ClinVar variation 3617956 (VCV003617956.2).

ClinVar aggregate classification (germline): Uncertain significance (1 of 4 stars; one submission).

gnomAD v4.1: 26 of 1,421,694 alleles (0.0018%); highest among the groups gnomAD compares: Non-Finnish European, 0.0026%; no homozygotes.

Submission:

Labcorp Genetics (formerly Invitae), Labcorp
Classification: Uncertain significance. Last evaluated: 2025-01-23. Review status: criteria provided, single submitter. Criteria: Invitae Variant Classification Sherloc (09022015). Collection method: clinical testing. Allele origin: germline.
Comment: This sequence change falls in intron 25 of the C5 gene. It does not directly change the encoded amino acid sequence of the C5 protein. This variant is present in population databases (no rsID available, gnomAD 0.003%). This variant has not been reported in the literature in individuals affected with C5-related conditions. Algorithms developed to predict the effect of sequence changes on RNA splicing suggest that this variant may disrupt the consensus splice site. In summary, the available evidence is currently insufficient to determine the role of this variant in disease. Therefore, it has been classified as a Variant of Uncertain Significance.